The following is an entry in ClinVar:

NM_005359.6(SMAD4):c.1462G>T (p.Ala488Ser)

Gene: SMAD4 (SMAD family member 4; plus strand). Cytogenetic location: 18q21.2.
Variant type: single nucleotide variant.
Coding change: c.1462G>T on transcript NM_005359.6 (MANE Select); coding-DNA position 1462, G replaced by T.
Protein change: p.Ala488Ser; replaces alanine 488 with serine.
Molecular consequence: missense variant. On other transcripts: non-coding transcript variant (1).
Genome position (GRCh38, 1-based): chr18:51,078,270, G>T. VCF-style: chr18-51078270-G-T. GRCh37 (hg19) VCF-style: chr18-48604640-G-T.
Other names: c.1462G>T, p.Ala488Ser (NM_001407041.1, NM_001407042.1); short protein forms A488S.
Identifiers: ClinVar variation 5029753 (VCV005029753.1).

ClinVar aggregate classification (germline): Uncertain significance (1 of 4 stars; one submission).

Conditions:
Familial thoracic aortic aneurysm and aortic dissection (TAAD). Also called: Thoracic aortic aneurysms and dissections. Identifiers: Orphanet 91387, MedGen C4707243, MONDO:0019625.
Hereditary cancer-predisposing syndrome. Also called: Neoplastic Syndromes, Hereditary; Tumor predisposition; Hereditary neoplastic syndrome; Hereditary Cancer Syndrome. Identifiers: Orphanet 140162, MedGen C0027672, MeSH D009386, MONDO:0015356.

Submission:

Ambry Genetics
Classification: Uncertain significance for Hereditary cancer-predisposing syndrome; Familial thoracic aortic aneurysm and aortic dissection. Last evaluated: 2026-07-24. Review status: criteria provided, single submitter. Criteria: Ambry Variant Classification Scheme 2023. Collection method: clinical testing. Allele origin: germline.
Comment: The p.A488S variant (also known as c.1462G>T), located in coding exon 11 of the SMAD4 gene, results from a G to T substitution at nucleotide position 1462. The alanine at codon 488 is replaced by serine, an amino acid with similar properties. This amino acid position is conserved. In addition, this alteration is predicted to be deleterious by in silico analysis. Based on the available evidence, the clinical significance of this variant remains unclear.